The following is an entry in ClinVar:

NM_001042492.3(NF1):c.5621A>T (p.Tyr1874Phe)

Gene: NF1 (neurofibromin 1; plus strand). Cytogenetic location: 17q11.2.
Variant type: single nucleotide variant.
Coding change: c.5621A>T on transcript NM_001042492.3 (MANE Select); coding-DNA position 5621, A replaced by T.
Protein change: p.Tyr1874Phe; replaces tyrosine 1874 with phenylalanine.
Molecular consequence: missense variant.
Genome position (GRCh38, 1-based): chr17:31,330,307, A>T. VCF-style: chr17-31330307-A-T. GRCh37 (hg19) VCF-style: chr17-29657325-A-T.
Other names: c.5558A>T, p.Tyr1853Phe (NM_000267.4); short protein forms Y1853F, Y1874F.
Identifiers: ClinVar variation 1748265 (VCV001748265.2), dbSNP rs2508717653, ClinGen allele CA399010113.

ClinVar aggregate classification (germline): Uncertain significance (1 of 4 stars; one submission).

Conditions:
Cardiovascular phenotype. Identifiers: MedGen CN230736.
Hereditary cancer-predisposing syndrome. Also called: Hereditary Cancer Syndrome; Hereditary neoplastic syndrome; Neoplastic Syndromes, Hereditary; Tumor predisposition. Identifiers: Orphanet 140162, MedGen C0027672, MeSH D009386, MONDO:0015356.

Submission:

Ambry Genetics
Classification: Uncertain significance for Cardiovascular phenotype; Hereditary cancer-predisposing syndrome. Last evaluated: 2021-03-10. Review status: criteria provided, single submitter. Criteria: Ambry Variant Classification Scheme 2023. Collection method: clinical testing. Allele origin: germline.
Comment: The p.Y1853F variant (also known as c.5558A>T), located in coding exon 38 of the NF1 gene, results from an A to T substitution at nucleotide position 5558. The tyrosine at codon 1853 is replaced by phenylalanine, an amino acid with highly similar properties. This amino acid position is highly conserved in available vertebrate species. In addition, the in silico prediction for this alteration is inconclusive. Since supporting evidence is limited at this time, the clinical significance of this alteration remains unclear.